The following is an entry in ClinVar:

NM_013382.7(POMT2):c.621G>A (p.Met207Ile)

Gene: POMT2 (protein O-mannosyltransferase 2; minus strand). Cytogenetic location: 14q24.3.
Variant type: single nucleotide variant.
Coding change: c.621G>A on transcript NM_013382.7 (MANE Select); coding-DNA position 621, G replaced by A.
Protein change: p.Met207Ile; replaces methionine 207 with isoleucine.
Molecular consequence: missense variant.
Genome position (GRCh38, 1-based): chr14:77,302,870, C>T on the plus strand (G>A on the coding strand, the complement: POMT2 is on the minus strand). VCF-style: chr14-77302870-C-T. GRCh37 (hg19) VCF-style: chr14-77769213-C-T.
Other names: short protein forms M207I.
Identifiers: ClinVar variation 285222 (VCV000285222.11), dbSNP rs551885065, ClinGen allele CA7286148.

ClinVar aggregate classification (germline): Uncertain significance. Review status: criteria provided, multiple submitters, no conflicts (2 of 4 stars). 4 submissions from 4 submitters: Uncertain significance (4). Last evaluated 2025-09-01.

Conditions:
Inborn genetic diseases. Identifiers: MedGen C0950123, MeSH D030342.
Muscular dystrophy-dystroglycanopathy (congenital with brain and eye anomalies), type A2. Also called: WALKER-WARBURG SYNDROME OR MUSCLE-EYE-BRAIN DISEASE, POMT2-RELATED; MUSCULAR DYSTROPHY-DYSTROGLYCANOPATHY (CONGENITAL WITH BRAIN AND EYE ANOMALIES), TYPE A, 2. Identifiers: Orphanet 588, Orphanet 899, MedGen C3150411, MONDO:0013154, OMIM 613150.
Muscular dystrophy-dystroglycanopathy (congenital with impaired intellectual development), type B, 2. Also called: Muscular dystrophy-dystroglycanopathy (congenital with intellectual disability), type B2; MUSCULAR DYSTROPHY, CONGENITAL, POMT2-RELATED. Identifiers: MedGen C3150416, MONDO:0013160, OMIM 613156.
Autosomal recessive limb-girdle muscular dystrophy type 2N. Also called: MUSCULAR DYSTROPHY-DYSTROGLYCANOPATHY, LIMB-GIRDLE, POMT2-RELATED; Muscular dystrophy-dystroglycanopathy (limb-girdle), type C, 2. Identifiers: Orphanet 206559, MedGen C3150418, MONDO:0013162, OMIM 613158.

Allele frequency attached by ClinVar (database versions not stated): 1000 Genomes Project 0.00020; ExAC 0.00002; gnomAD 0.00006 and 0.00005; 1000 Genomes Project 30x 0.00062; TOPMed 0.00002; gnomAD exomes 0.00001.
gnomAD v4.1: 19 of 1,613,722 alleles (0.0012%); highest among the groups gnomAD compares: African/African-American, 0.023%; no homozygotes.

Submissions (4):

Ambry Genetics
Classification: Uncertain significance for Inborn genetic diseases. Last evaluated: 2025-09-01. Review status: criteria provided, single submitter. Criteria: Ambry Variant Classification Scheme 2023. Collection method: clinical testing. Allele origin: germline.

Revvity Omics, Revvity
Classification: Uncertain significance. Last evaluated: 2022-09-01. Review status: criteria provided, single submitter. Criteria: ACMG Guidelines, 2015. Collection method: clinical testing. Allele origin: germline.

Labcorp Genetics (formerly Invitae), Labcorp
Classification: Uncertain significance for Muscular dystrophy-dystroglycanopathy (congenital with impaired intellectual development), type B, 2; Muscular dystrophy-dystroglycanopathy (congenital with brain and eye anomalies), type A2; Autosomal recessive limb-girdle muscular dystrophy type 2N. Last evaluated: 2022-07-26. Review status: criteria provided, single submitter. Criteria: Invitae Variant Classification Sherloc (09022015). Collection method: clinical testing. Allele origin: germline.
Comment: This sequence change replaces methionine, which is neutral and non-polar, with isoleucine, which is neutral and non-polar, at codon 207 of the POMT2 protein (p.Met207Ile). This variant is present in population databases (rs551885065, gnomAD 0.02%). This variant has not been reported in the literature in individuals affected with POMT2-related conditions. ClinVar contains an entry for this variant (Variation ID: 285222). Algorithms developed to predict the effect of missense changes on protein structure and function (SIFT, PolyPhen-2, Align-GVGD) all suggest that this variant is likely to be tolerated. In summary, the available evidence is currently insufficient to determine the role of this variant in disease. Therefore, it has been classified as a Variant of Uncertain Significance.

Eurofins Ntd Llc (ga)
Classification: Uncertain significance. Last evaluated: 2017-10-05. Review status: criteria provided, single submitter. Criteria: EGL Classification Definitions 2015. Collection method: clinical testing. Allele origin: germline. Observed: 3 variant alleles, 3 heterozygotes.